The following is an entry in ClinVar:

ClinVar aggregate classification (germline): Uncertain significance (1 of 4 stars; one submission).

Conditions:
Cardiovascular phenotype. Identifiers: MedGen CN230736.

Submission:

Ambry Genetics
Classification: Uncertain significance for Cardiovascular phenotype. Last evaluated: 2026-06-20. Review status: criteria provided, single submitter. Criteria: Ambry Variant Classification Scheme 2023. Collection method: clinical testing. Allele origin: germline.
Comment: The p.I4013V variant (also known as c.12037A>G), located in coding exon 90 of the RYR2 gene, results from an A to G substitution at nucleotide position 12037. The isoleucine at codon 4013 is replaced by valine, an amino acid with highly similar properties. This amino acid position is conserved. In addition, the in silico prediction for this alteration is inconclusive. Based on the available evidence, the clinical significance of this variant remains unclear.

NM_001035.3(RYR2):c.12037A>G (p.Ile4013Val)

Gene: RYR2 (ryanodine receptor 2; plus strand). Cytogenetic location: 1q43.
Variant type: single nucleotide variant.
Coding change: c.12037A>G on transcript NM_001035.3 (MANE Select); coding-DNA position 12037, A replaced by G.
Protein change: p.Ile4013Val; replaces isoleucine 4013 with valine.
Molecular consequence: missense variant.
Genome position (GRCh38, 1-based): chr1:237,783,749, A>G. VCF-style: chr1-237783749-A-G. GRCh37 (hg19) VCF-style: chr1-237947049-A-G.
Other names: short protein forms I4013V.
Identifiers: ClinVar variation 5028664 (VCV005028664.1).